The following is an entry in ClinVar:

NM_000293.3(PHKB):c.2657A>C (p.Glu886Ala)

Gene: PHKB (phosphorylase kinase regulatory subunit beta; plus strand). Cytogenetic location: 16q12.1.
Variant type: single nucleotide variant.
Coding change: c.2657A>C on transcript NM_000293.3 (MANE Select); coding-DNA position 2657, A replaced by C.
Protein change: p.Glu886Ala; replaces glutamic acid 886 with alanine.
Molecular consequence: missense variant.
Genome position (GRCh38, 1-based): chr16:47,689,067, A>C. VCF-style: chr16-47689067-A-C. GRCh37 (hg19) VCF-style: chr16-47722978-A-C.
Other names: c.2636A>C, p.Glu879Ala (NM_001031835.3); c.2657A>C, p.Glu886Ala (NM_001363837.1); short protein forms E879A, E886A.
Identifiers: ClinVar variation 1720387 (VCV001720387.5), dbSNP rs2506708564, ClinGen allele CA396099778.
Genomic context (GRCh38, chr16:47,689,067, plus strand): 5'-GTTATTGATTCATGCTTCCCCTGTTTTGTTTCAGGTGGATCATCCATGCCATGGAGTATG[A>C]ACTTCAGATCCGTGGCGGAGACAAGCCAGCCTTGGACTTGTATCAGCTGTCACCTAGTGA-3'
Protein context (NP_000284.1, residues 876-896): IGWIIHAMEY[Glu886Ala]LQIRGGDKPA

ClinVar aggregate classification (germline): Uncertain significance (1 of 4 stars; one submission).

Conditions:
Glycogen storage disease IXb (GSD9B). Also called: GLYCOGENOSIS OF LIVER AND MUSCLE, AUTOSOMAL RECESSIVE; GSD IXb; PHOSPHORYLASE KINASE DEFICIENCY OF LIVER AND MUSCLE, AUTOSOMAL RECESSIVE. Identifiers: Orphanet 79240, MedGen C0543514, MONDO:0009868, OMIM 261750.

Submission:

Labcorp Genetics (formerly Invitae), Labcorp
Classification: Uncertain significance for Glycogen storage disease IXb. Last evaluated: 2022-07-20. Review status: criteria provided, single submitter. Criteria: Invitae Variant Classification Sherloc (09022015). Collection method: clinical testing. Allele origin: germline.
Comment: This sequence change replaces glutamic acid, which is acidic and polar, with alanine, which is neutral and non-polar, at codon 886 of the PHKB protein (p.Glu886Ala). This variant is not present in population databases (gnomAD no frequency). In summary, the available evidence is currently insufficient to determine the role of this variant in disease. Therefore, it has been classified as a Variant of Uncertain Significance. Algorithms developed to predict the effect of missense changes on protein structure and function are either unavailable or do not agree on the potential impact of this missense change (SIFT: "Tolerated"; PolyPhen-2: "Probably Damaging"; Align-GVGD: "Class C0"). This variant has not been reported in the literature in individuals affected with PHKB-related conditions.